The following is an entry in ClinVar:

ClinVar aggregate classification (germline): Uncertain significance. Review status: criteria provided, multiple submitters, no conflicts (2 of 4 stars). 8 submissions from 6 submitters: Uncertain significance (7). 1 of the submissions does not count toward it. Last evaluated 2023-10-01.

Conditions:
Retinal dystrophy. Also called: Inherited retinal dystrophy. Identifiers: Orphanet 71862, MedGen C0854723, MeSH D058499, MONDO:0019118, HP:0000556.
Leber congenital amaurosis (LCA). Also called: Leber's amaurosis. Identifiers: Orphanet 65, MedGen C0339527, MeSH D057130, MONDO:0018998.
Retinitis pigmentosa 12 (RP12). Also called: RP WITH OR WITHOUT PRESERVED PARAARTERIOLE RETINAL PIGMENT EPITHELIUM; RETINITIS PIGMENTOSA WITH OR WITHOUT PARAARTERIOLAR PRESERVATION OF RETINAL PIGMENT EPITHELIUM; RP WITH OR WITHOUT PPRPE. Identifiers: Orphanet 791, MedGen C1838647, MONDO:0010818, OMIM 600105.
Pigmented paravenous retinochoroidal atrophy. Identifiers: Orphanet 251295, MedGen C1868310, MONDO:0008246, OMIM 172870.
Leber congenital amaurosis 8 (LCA8). Identifiers: Orphanet 65, MedGen C3151202, MONDO:0013453, OMIM 613835.

Allele frequency attached by ClinVar (database versions not stated): gnomAD exomes 0.00001 and 0.00006; ExAC 0.00002.
gnomAD v4.1: 34 of 1,614,156 alleles (0.0021%); highest among the groups gnomAD compares: East Asian, 0.074%; no homozygotes.

Submissions (8):

Dept Of Ophthalmology, Nagoya University
Classification: Uncertain significance for Retinal dystrophy. Last evaluated: 2023-10-01. Review status: criteria provided, single submitter. Criteria: Submitter's publication. Collection method: research. Allele origin: germline. Affected: yes.

Genome-Nilou Lab
Classification: Uncertain significance for Leber congenital amaurosis 8. Last evaluated: 2023-04-11. Review status: criteria provided, single submitter. Criteria: ACMG Guidelines, 2015. Collection method: clinical testing. Allele origin: germline. Affected: no.

Genome-Nilou Lab
Classification: Uncertain significance for Pigmented paravenous retinochoroidal atrophy. Last evaluated: 2023-04-11. Review status: criteria provided, single submitter. Criteria: ACMG Guidelines, 2015. Collection method: clinical testing. Allele origin: germline. Affected: no.

Genome-Nilou Lab
Classification: Uncertain significance for Retinitis pigmentosa 12. Last evaluated: 2023-04-11. Review status: criteria provided, single submitter. Criteria: ACMG Guidelines, 2015. Collection method: clinical testing. Allele origin: germline. Affected: no.

Blueprint Genetics
Classification: Uncertain significance. Last evaluated: 2022-10-07. Review status: criteria provided, single submitter. Criteria: ACMG Guidelines, 2015. Collection method: clinical testing. Allele origin: germline.

Fulgent Genetics
Classification: Uncertain significance for Pigmented paravenous retinochoroidal atrophy; Retinitis pigmentosa 12; Leber congenital amaurosis 8. Last evaluated: 2021-10-26. Review status: criteria provided, single submitter. Criteria: ACMG Guidelines, 2015. Collection method: clinical testing. Allele origin: unknown.

Labcorp Genetics (formerly Invitae), Labcorp
Classification: Uncertain significance for Leber congenital amaurosis 8; Retinitis pigmentosa 12. Last evaluated: 2021-08-27. Review status: criteria provided, single submitter. Criteria: Invitae Variant Classification Sherloc (09022015). Collection method: clinical testing. Allele origin: germline.
Comment: This sequence change replaces histidine with tyrosine at codon 326 of the CRB1 protein (p.His326Tyr). The histidine residue is highly conserved and there is a moderate physicochemical difference between histidine and tyrosine. This variant is present in population databases (rs773386179, ExAC 0.02%). This variant has not been reported in the literature in individuals affected with CRB1-related conditions. Algorithms developed to predict the effect of missense changes on protein structure and function (SIFT, PolyPhen-2, Align-GVGD) all suggest that this variant is likely to be disruptive. In summary, the available evidence is currently insufficient to determine the role of this variant in disease. Therefore, it has been classified as a Variant of Uncertain Significance.

Natera, Inc.
Classification: Uncertain significance for Leber congenital amaurosis. Last evaluated: 2020-03-03. Review status: no assertion criteria provided. Collection method: clinical testing. Allele origin: germline. Not counted in ClinVar's aggregate classification.

NM_201253.3(CRB1):c.976C>T (p.His326Tyr)

Gene: CRB1 (crumbs cell polarity complex component 1; plus strand). Cytogenetic location: 1q31.3.
Variant type: single nucleotide variant.
Coding change: c.976C>T on transcript NM_201253.3 (MANE Select); coding-DNA position 976, C replaced by T.
Protein change: p.His326Tyr; replaces histidine 326 with tyrosine.
Molecular consequence: missense variant. On other transcripts: non-coding transcript variant (2), intron variant (1).
Genome position (GRCh38, 1-based): chr1:197,347,467, C>T. VCF-style: chr1-197347467-C-T. GRCh37 (hg19) VCF-style: chr1-197316597-C-T.
Other names: c.769C>T, p.His257Tyr (NM_001257965.2); c.976C>T, p.His326Tyr (NM_001257966.2); c.653-9364C>T (NM_001193640.2); short protein forms H257Y, H326Y.
Identifiers: ClinVar variation 963279 (VCV000963279.7), dbSNP rs773386179, ClinGen allele CA1311765.
Genomic context (GRCh38, chr1:197,347,467, plus strand): 5'-TGGTCAAAACCTTGTCACAATAATGCTACATGTGAGGACAGTGTTGACAATTACACTTGT[C>T]ACTGCTGGCCTGGTGAGTGACAAAATACCTTCCACCAATTATTTTTCATTTGTTTAGAAT-3'
Protein context (NP_957705.1, residues 316-336): CEDSVDNYTC[His326Tyr]CWPGYTGAQC